The following is an entry in ClinVar:

NM_002734.5(PRKAR1A):c.530T>C (p.Ile177Thr)

Gene: PRKAR1A (protein kinase cAMP-dependent type I regulatory subunit alpha; plus strand). Cytogenetic location: 17q24.2.
Variant type: single nucleotide variant.
Coding change: c.530T>C on transcript NM_002734.5 (MANE Select); coding-DNA position 530, T replaced by C.
Protein change: p.Ile177Thr; replaces isoleucine 177 with threonine.
Molecular consequence: missense variant.
Genome position (GRCh38, 1-based): chr17:68,524,939, T>C. VCF-style: chr17-68524939-T-C. GRCh37 (hg19) VCF-style: chr17-66521080-T-C.
Other names: c.530T>C, p.Ile177Thr (NM_001276289.2, NM_001276290.1, NM_001278433.2 and 4 more transcripts); c.530T>C (NM_002734.3); short protein forms I177T.
Identifiers: ClinVar variation 135092 (VCV000135092.13), dbSNP rs587778626, ClinGen allele CA161650.

ClinVar aggregate classification (germline): Uncertain significance. Review status: criteria provided, multiple submitters, no conflicts (2 of 4 stars). 5 submissions from 5 submitters: Uncertain significance (4). 1 of the submissions does not count toward it. Last evaluated 2025-12-01.

Conditions:
Hereditary cancer-predisposing syndrome. Also called: Tumor predisposition; Hereditary neoplastic syndrome; Neoplastic Syndromes, Hereditary; Hereditary Cancer Syndrome. Identifiers: Orphanet 140162, MedGen C0027672, MeSH D009386, MONDO:0015356.
Carney complex, type 1 (CNC1). Also called: CARNEY MYXOMA-ENDOCRINE COMPLEX; CARNEY COMPLEX, TYPE I. Identifiers: Orphanet 1359, MedGen C2607929, MONDO:0008057, OMIM 160980.

Allele frequency attached by ClinVar (database versions not stated): gnomAD exomes 0.00001.
gnomAD v4.1: 9 of 1,610,438 alleles (0.00056%); highest among the groups gnomAD compares: Non-Finnish European, 0.00068%; no homozygotes.

Submissions (5):

Labcorp Genetics (formerly Invitae), Labcorp
Classification: Uncertain significance for Carney complex, type 1. Last evaluated: 2025-12-01. Review status: criteria provided, single submitter. Criteria: Invitae Variant Classification Sherloc (09022015). Collection method: clinical testing. Allele origin: germline.
Comment: This sequence change replaces isoleucine, which is neutral and non-polar, with threonine, which is neutral and polar, at codon 177 of the PRKAR1A protein (p.Ile177Thr). This variant is not present in population databases (gnomAD no frequency). This variant has not been reported in the literature in individuals affected with PRKAR1A-related conditions. ClinVar contains an entry for this variant (Variation ID: 135092). Invitae Evidence Modeling of protein sequence and biophysical properties (such as structural, functional, and spatial information, amino acid conservation, physicochemical variation, residue mobility, and thermodynamic stability) indicates that this missense variant is expected to disrupt PRKAR1A protein function with a positive predictive value of 80%. In summary, the available evidence is currently insufficient to determine the role of this variant in disease. Therefore, it has been classified as a Variant of Uncertain Significance.

Ambry Genetics
Classification: Uncertain significance for Hereditary cancer-predisposing syndrome. Last evaluated: 2025-05-31. Review status: criteria provided, single submitter. Criteria: Ambry Variant Classification Scheme 2023. Collection method: clinical testing. Allele origin: germline.
Comment: The p.I177T variant (also known as c.530T>C), located in coding exon 5 of the PRKAR1A gene, results from a T to C substitution at nucleotide position 530. The isoleucine at codon 177 is replaced by threonine, an amino acid with similar properties. This variant was identified in a cohort of 681 ancestrally diverse, healthy subjects (Bodian DL et al. PLoS One, 2014 Apr;9:e94554). This amino acid position is well conserved in available vertebrate species. In addition, this alteration is predicted to be deleterious by in silico analysis. Since supporting evidence is limited at this time, the clinical significance of this alteration remains unclear.

GeneDx
Classification: Uncertain significance. Last evaluated: 2023-08-02. Review status: criteria provided, single submitter. Criteria: GeneDx Variant Classification Process June 2021. Collection method: clinical testing. Allele origin: germline. Affected: yes.
Comment: Not observed at significant frequency in large population cohorts (gnomAD); In silico analysis supports that this missense variant has a deleterious effect on protein structure/function; Identified in healthy individual(s) undergoing whole genome sequencing (PMID: 24728327); This variant is associated with the following publications: (PMID: 24728327, 24363928)

AiLife Diagnostics
Classification: Uncertain significance. Last evaluated: 2022-02-02. Review status: criteria provided, single submitter. Criteria: ACMG Guidelines, 2015. Collection method: clinical testing. Allele origin: germline. Affected: yes. Observed: 2 variant alleles.

ITMI
No classification provided. Condition: AllHighlyPenetrant. Last evaluated: 2013-09-19. Review status: no classification provided. Collection method: reference population. Allele origin: germline. Not counted in ClinVar's aggregate classification.
Comment: Please see associated publication for description of ethnicities

Literature cited by the submitters: PubMed 24728327 (cited by Ambry Genetics and ITMI).